The following is an entry in ClinVar:

NM_001614.5(ACTG1):c.393C>T (p.Ala131=)

Gene: ACTG1 (actin gamma 1; minus strand). Cytogenetic location: 17q25.3.
Variant type: single nucleotide variant.
Coding change: c.393C>T on transcript NM_001614.5 (MANE Select); coding-DNA position 393, C replaced by T.
Protein change: p.Ala131=; no amino-acid change (alanine 131 retained).
Molecular consequence: synonymous variant. On other transcripts: non-coding transcript variant (1).
Genome position (GRCh38, 1-based): chr17:81,511,597, G>A on the plus strand (C>T on the coding strand, the complement: ACTG1 is on the minus strand). VCF-style: chr17-81511597-G-A. GRCh37 (hg19) VCF-style: chr17-79478623-G-A.
Other names: c.393C>T, p.Ala131= (NM_001199954.3).
Identifiers: ClinVar variation 514555 (VCV000514555.10), dbSNP rs11150794, ClinGen allele CA8836086.
Genomic context (GRCh38, chr17:81,511,597, plus strand): 5'-AATGCCAGTGGTGCGCCCAGAGGCGTAGAGGGACAGCACGGCCTGGATGGCCACGTACAT[G>A]GCCGGGGTGTTGAAGGTCTCAAACATAATCTGAGAAGGGACAAGGGGCGGCTTAGTCAGG-3'
Protein context (NP_001605.1, residues 121-141): QIMFETFNTP[Ala131=]MYVAIQAVLS

ClinVar aggregate classification (germline): Likely benign. Review status: criteria provided, multiple submitters, no conflicts (2 of 4 stars). 3 submissions from 3 submitters: Likely benign (3). Last evaluated 2022-12-04.

Conditions:
Autosomal dominant nonsyndromic hearing loss 20. Identifiers: Orphanet 90635, MedGen C1858172, MONDO:0011480, OMIM 604717.
Baraitser-winter syndrome 2. Identifiers: Orphanet 2995, MedGen C3281235, MONDO:0013812, OMIM 614583.

Allele frequency attached by ClinVar (database versions not stated): ExAC 0.00003; gnomAD exomes 0.00003 and 0.00004; TOPMed 0.00003; gnomAD 0.00004.

Submissions (3):

Labcorp Genetics (formerly Invitae), Labcorp
Classification: Likely benign for Baraitser-winter syndrome 2; Autosomal dominant nonsyndromic hearing loss 20. Last evaluated: 2022-12-04. Review status: criteria provided, single submitter. Criteria: Invitae Variant Classification Sherloc (09022015). Collection method: clinical testing. Allele origin: germline.

Blueprint Genetics
Classification: Likely benign. Last evaluated: 2021-12-13. Review status: criteria provided, single submitter. Criteria: ACMG Guidelines, 2015. Collection method: clinical testing. Allele origin: germline.

GeneDx
Classification: Likely benign. Last evaluated: 2018-01-12. Review status: criteria provided, single submitter. Criteria: GeneDx Variant Classification (06012015). Collection method: clinical testing. Allele origin: germline. Affected: yes.
Comment: This variant is considered likely benign or benign based on one or more of the following criteria: it is a conservative change, it occurs at a poorly conserved position in the protein, it is predicted to be benign by multiple in silico algorithms, and/or has population frequency not consistent with disease.